The following is an entry in ClinVar:

NM_001348484.3(RIMS2):c.1644C>T (p.Gly548=)

Gene: RIMS2 (regulating synaptic membrane exocytosis 2; plus strand). Cytogenetic location: 8q22.3.
Variant type: single nucleotide variant.
Coding change: c.1644C>T on transcript NM_001348484.3 (MANE Select); coding-DNA position 1644, C replaced by T.
Protein change: p.Gly548=; no amino-acid change (glycine 548 retained).
Molecular consequence: synonymous variant. On other transcripts: non-coding transcript variant (2).
Genome position (GRCh38, 1-based): chr8:103,886,111, C>T. VCF-style: chr8-103886111-C-T. GRCh37 (hg19) VCF-style: chr8-104898339-C-T.
Other names: c.936C>T, p.Gly312= (NM_001282881.2, NM_001348498.2, NM_001348499.2 and 11 more transcripts); c.1512C>T, p.Gly504= (NM_001348485.2, NM_001348489.2, NM_001348493.2 and 3 more transcripts); c.1524C>T, p.Gly508= (NM_001348486.2, NM_001348487.2, NM_001348490.2 and 3 more transcripts); c.1644C>T, p.Gly548= (NM_001348488.2, NM_001395653.1, NM_001395654.1); c.1632C>T, p.Gly544= (NM_001348491.2); c.1554C>T, p.Gly518= (NM_001348495.2).
Identifiers: ClinVar variation 5039624 (VCV005039624.1).

ClinVar aggregate classification (germline): Likely benign (1 of 4 stars; one submission).

gnomAD v4.1: 2 of 1,612,726 alleles (0.00012%); highest among the groups gnomAD compares: African/African-American, 0.0027%; no homozygotes.

Submission:

CeGaT Center for Human Genetics Tuebingen
Classification: Likely benign. Last evaluated: 2026-07-01. Review status: criteria provided, single submitter. Criteria: CeGaT Center For Human Genetics Tuebingen Variant Classification Criteria Version 2. Collection method: clinical testing. Allele origin: germline. Affected: yes. Observed: 1 variant allele.
Comment: RIMS2: BP4, BP7